The following is an entry in ClinVar:

ClinVar aggregate classification (germline): Conflicting classifications of pathogenicity. Review status: criteria provided, conflicting classifications (1 of 4 stars). 3 submissions from 3 submitters: Uncertain significance (2); Likely benign (1). Last evaluated 2025-08-07.

Conditions:
Hereditary cancer-predisposing syndrome. Also called: Neoplastic Syndromes, Hereditary; Hereditary neoplastic syndrome; Tumor predisposition; Hereditary Cancer Syndrome. Identifiers: Orphanet 140162, MedGen C0027672, MeSH D009386, MONDO:0015356.
Hereditary breast ovarian cancer syndrome. Also called: Breast and ovarian cancer; Hereditary breast and ovarian cancer syndrome (HBOC); BRCA1- and BRCA2-Associated Hereditary Breast and Ovarian Cancer; Hereditary breast and/or ovarian cancer syndrome; Hereditary breast and ovarian cancer syndrome; Hereditary breast and ovarian cancer. Identifiers: Orphanet 145, MedGen C0677776, MeSH D061325, MONDO:0003582. Disease mechanism: loss of function.
Breast-ovarian cancer, familial, susceptibility to, 2 (BROVCA2). Also called: BRCA2 Hereditary Breast and Ovarian Cancer. Identifiers: Orphanet 145, MedGen C2675520, MONDO:0012933, OMIM 612555. Disease mechanism: loss of function.

Submissions (3):

Labcorp Genetics (formerly Invitae), Labcorp
Classification: Uncertain significance for Hereditary breast ovarian cancer syndrome. Last evaluated: 2025-08-07. Review status: criteria provided, single submitter. Criteria: Invitae Variant Classification Sherloc (09022015). Collection method: clinical testing. Allele origin: germline.
Comment: This sequence change replaces glutamic acid, which is acidic and polar, with lysine, which is basic and polar, at codon 2229 of the BRCA2 protein (p.Glu2229Lys). This variant is not present in population databases (gnomAD no frequency). This variant has not been reported in the literature in individuals affected with BRCA2-related conditions. ClinVar contains an entry for this variant (Variation ID: 836486). Invitae Evidence Modeling of protein sequence and biophysical properties (such as structural, functional, and spatial information, amino acid conservation, physicochemical variation, residue mobility, and thermodynamic stability) indicates that this missense variant is not expected to disrupt BRCA2 protein function with a negative predictive value of 95%. In summary, the available evidence is currently insufficient to determine the role of this variant in disease. Therefore, it has been classified as a Variant of Uncertain Significance.

All of Us Research Program, National Institutes of Health
Classification: Uncertain significance for Breast-ovarian cancer, familial, susceptibility to, 2. Last evaluated: 2024-01-08. Review status: criteria provided, single submitter. Criteria: ACMG Guidelines, 2015. Collection method: clinical testing. Allele origin: germline. Inheritance: Autosomal dominant inheritance. Observed: 1 variant allele, 1 heterozygote.
Comment: This missense variant replaces glutamic acid with lysine at codon 2229 of the BRCA2 protein. Computational prediction is inconclusive regarding the impact of this variant on protein structure and function (internally defined REVEL score threshold 0.5 < inconclusive < 0.7, PMID: 27666373). To our knowledge, functional studies have not been reported for this variant. This variant has not been reported in individuals affected with BRCA2-related disorders in the literature. This variant has not been identified in the general population by the Genome Aggregation Database (gnomAD). The available evidence is insufficient to determine the role of this variant in disease conclusively. Therefore, this variant is classified as a Variant of Uncertain Significance.

This study involves interpretation of variants in research participants for the purpose of population health screening. Participant phenotype was not available at the time of variant classification. Additional details can be found in publication PMID: 35346344, PMCID: PMC8962531

University of Washington Department of Laboratory Medicine, University of Washington
Classification: Likely benign for Hereditary cancer-predisposing syndrome. Last evaluated: 2023-03-23. Review status: criteria provided, single submitter. Criteria: Dines et al. (Genet Med. 2020). Collection method: curation. Allele origin: germline.
Comment: Missense variant in a coldspot region where missense variants are very unlikely to be pathogenic (PMID:31911673).

BRCA2 exon 11 coldspot. Reclassification based on statistical prior probability.

NM_000059.4(BRCA2):c.6685G>A (p.Glu2229Lys)

Gene: BRCA2 (BRCA2 DNA repair associated; plus strand). Cytogenetic location: 13q13.1.
Variant type: single nucleotide variant.
Coding change: c.6685G>A on transcript NM_000059.4 (MANE Select); coding-DNA position 6685, G replaced by A.
Protein change: p.Glu2229Lys; replaces glutamic acid 2229 with lysine.
Molecular consequence: missense variant.
Genome position (GRCh38, 1-based): chr13:32,341,040, G>A. VCF-style: chr13-32341040-G-A. GRCh37 (hg19) VCF-style: chr13-32915177-G-A.
Other names: short protein forms E2229K.
Identifiers: ClinVar variation 836486 (VCV000836486.12), dbSNP rs730881548, ClinGen allele CA387790577.
Genomic context (GRCh38, chr13:32,341,040, plus strand): 5'-ATAGAAGTTTGTTCTACTTACTCCAAAGATTCAGAAAACTACTTTGAAACAGAAGCAGTA[G>A]AAATTGCTAAAGCTTTTATGGAAGATGATGAACTGACAGATTCTAAACTGCCAAGTCATG-3'
Protein context (NP_000050.3, residues 2219-2239): SENYFETEAV[Glu2229Lys]IAKAFMEDDE